The following is an entry in ClinVar:

ClinVar aggregate classification (germline): Uncertain significance. Review status: criteria provided, multiple submitters, no conflicts (2 of 4 stars). 2 submissions from 2 submitters: Uncertain significance (2). Last evaluated 2025-05-23.

Conditions:
Inborn genetic diseases. Identifiers: MedGen C0950123, MeSH D030342.

Allele frequency attached by ClinVar (database versions not stated): gnomAD 0.00002 and 0.00003; gnomAD exomes 0.00002 and 0.00003; TOPMed 0.00002; ExAC 0.00003; ESP Exome Variant Server 0.00008; 1000 Genomes Project 0.00020; 1000 Genomes Project 30x 0.00047.
gnomAD v4.1: 37 of 1,613,074 alleles (0.0023%); highest among the groups gnomAD compares: Non-Finnish European, 0.003%; no homozygotes.

Submissions (2):

Ambry Genetics
Classification: Uncertain significance for Inborn genetic diseases. Last evaluated: 2025-05-23. Review status: criteria provided, single submitter. Criteria: Ambry Variant Classification Scheme 2023. Collection method: clinical testing. Allele origin: germline.

Labcorp Genetics (formerly Invitae), Labcorp
Classification: Uncertain significance. Last evaluated: 2024-07-15. Review status: criteria provided, single submitter. Criteria: Invitae Variant Classification Sherloc (09022015). Collection method: clinical testing. Allele origin: germline.
Comment: This sequence change replaces cysteine with arginine at codon 185 of the POLR1A protein (p.Cys185Arg). The cysteine residue is moderately conserved and there is a large physicochemical difference between cysteine and arginine. This variant is present in population databases (rs371664576, gnomAD 0.006%). This variant has not been reported in the literature in individuals affected with POLR1A-related conditions. ClinVar contains an entry for this variant (Variation ID: 1447431). Advanced modeling of protein sequence and biophysical properties (such as structural, functional, and spatial information, amino acid conservation, physicochemical variation, residue mobility, and thermodynamic stability) performed at Invitae indicates that this missense variant is not expected to disrupt POLR1A protein function with a negative predictive value of 80%. In summary, the available evidence is currently insufficient to determine the role of this variant in disease. Therefore, it has been classified as a Variant of Uncertain Significance.

NM_015425.6(POLR1A):c.553T>C (p.Cys185Arg)

Gene: POLR1A (RNA polymerase I subunit A; minus strand). Cytogenetic location: 2p11.2.
Variant type: single nucleotide variant.
Coding change: c.553T>C on transcript NM_015425.6 (MANE Select); coding-DNA position 553, T replaced by C.
Protein change: p.Cys185Arg; replaces cysteine 185 with arginine.
Molecular consequence: missense variant.
Genome position (GRCh38, 1-based): chr2:86,088,858, A>G on the plus strand (T>C on the coding strand, the complement: POLR1A is on the minus strand). VCF-style: chr2-86088858-A-G. GRCh37 (hg19) VCF-style: chr2-86315981-A-G.
Other names: c.553T>C (NM_015425.3); short protein forms C185R.
Identifiers: ClinVar variation 1447431 (VCV001447431.7), dbSNP rs371664576, ClinGen allele CA1746615.